The following is an entry in ClinVar:

NM_001378778.1(MPDZ):c.1063C>A (p.Pro355Thr)

Gene: MPDZ (multiple PDZ domain crumbs cell polarity complex component; minus strand). Cytogenetic location: 9p23.
Variant type: single nucleotide variant.
Coding change: c.1063C>A on transcript NM_001378778.1 (MANE Select); coding-DNA position 1063, C replaced by A.
Protein change: p.Pro355Thr; replaces proline 355 with threonine.
Molecular consequence: missense variant.
Genome position (GRCh38, 1-based): chr9:13,219,582, G>T on the plus strand (C>A on the coding strand, the complement: MPDZ is on the minus strand). VCF-style: chr9-13219582-G-T. GRCh37 (hg19) VCF-style: chr9-13219581-G-T.
Other names: c.1063C>A, p.Pro355Thr (NM_001261406.2, NM_001261407.2, NM_001330637.2 and 14 more transcripts); short protein forms P355T.
Identifiers: ClinVar variation 1436595 (VCV001436595.5), dbSNP rs377282513, ClinGen allele CA4987927.

ClinVar aggregate classification (germline): Uncertain significance (1 of 4 stars; one submission).

Allele frequency attached by ClinVar (database versions not stated): gnomAD exomes 0.00002; TOPMed 0.00003; gnomAD 0.00005; ESP Exome Variant Server 0.00008.
gnomAD v4.1: 36 of 1,611,820 alleles (0.0022%); highest among the groups gnomAD compares: Non-Finnish European, 0.003%; no homozygotes.

Submission:

Labcorp Genetics (formerly Invitae), Labcorp
Classification: Uncertain significance. Last evaluated: 2022-07-06. Review status: criteria provided, single submitter. Criteria: Invitae Variant Classification Sherloc (09022015). Collection method: clinical testing. Allele origin: germline.
Comment: This sequence change replaces proline, which is neutral and non-polar, with threonine, which is neutral and polar, at codon 355 of the MPDZ protein (p.Pro355Thr). This variant is present in population databases (rs377282513, gnomAD 0.006%). This variant has not been reported in the literature in individuals affected with MPDZ-related conditions. ClinVar contains an entry for this variant (Variation ID: 1436595). Algorithms developed to predict the effect of missense changes on protein structure and function output the following: SIFT: "Tolerated"; PolyPhen-2: "Benign"; Align-GVGD: "Class C0". The threonine amino acid residue is found in multiple mammalian species, which suggests that this missense change does not adversely affect protein function. In summary, the available evidence is currently insufficient to determine the role of this variant in disease. Therefore, it has been classified as a Variant of Uncertain Significance.